The following is an entry in ClinVar:

NM_005186.4(CAPN1):c.1677G>T (p.Met559Ile)

Gene: CAPN1 (calpain 1; plus strand). Cytogenetic location: 11q13.1.
Variant type: single nucleotide variant.
Coding change: c.1677G>T on transcript NM_005186.4 (MANE Select); coding-DNA position 1677, G replaced by T.
Protein change: p.Met559Ile; replaces methionine 559 with isoleucine.
Molecular consequence: missense variant. On other transcripts: non-coding transcript variant (1).
Genome position (GRCh38, 1-based): chr11:65,208,210, G>T. VCF-style: chr11-65208210-G-T. GRCh37 (hg19) VCF-style: chr11-64975681-G-T.
Other names: c.1677G>T, p.Met559Ile (NM_001198868.2, NM_001198869.2); c.1515G>T, p.Met505Ile (NM_001198870.1); short protein forms M505I, M559I.
Identifiers: ClinVar variation 1968078 (VCV001968078.5), dbSNP rs1384146192, ClinGen allele CA381253657.

ClinVar aggregate classification (germline): Uncertain significance (1 of 4 stars; one submission).

Submission:

Labcorp Genetics (formerly Invitae), Labcorp
Classification: Uncertain significance. Last evaluated: 2023-12-21. Review status: criteria provided, single submitter. Criteria: Invitae Variant Classification Sherloc (09022015). Collection method: clinical testing. Allele origin: germline.
Comment: This sequence change replaces methionine, which is neutral and non-polar, with isoleucine, which is neutral and non-polar, at codon 559 of the CAPN1 protein (p.Met559Ile). This variant is not present in population databases (gnomAD no frequency). This variant has not been reported in the literature in individuals affected with CAPN1-related conditions. ClinVar contains an entry for this variant (Variation ID: 1968078). Advanced modeling of protein sequence and biophysical properties (such as structural, functional, and spatial information, amino acid conservation, physicochemical variation, residue mobility, and thermodynamic stability) has been performed at Invitae for this missense variant, however the output from this modeling did not meet the statistical confidence thresholds required to predict the impact of this variant on CAPN1 protein function. In summary, the available evidence is currently insufficient to determine the role of this variant in disease. Therefore, it has been classified as a Variant of Uncertain Significance.